The following is an entry in ClinVar:

NM_144997.7(FLCN):c.1285C>G (p.His429Asp)

Gene: FLCN (folliculin; minus strand). Cytogenetic location: 17p11.2.
Variant type: single nucleotide variant.
Coding change: c.1285C>G on transcript NM_144997.7 (MANE Select); coding-DNA position 1285, C replaced by G.
Protein change: p.His429Asp; replaces histidine 429 with aspartic acid.
Molecular consequence: missense variant.
Genome position (GRCh38, 1-based): chr17:17,216,395, G>C on the plus strand (C>G on the coding strand, the complement: FLCN is on the minus strand). VCF-style: chr17-17216395-G-C. GRCh37 (hg19) VCF-style: chr17-17119709-G-C.
Other names: c.1285C>G (LRG_325t1); c.1339C>G, p.His447Asp (NM_001353229.2); c.1285C>G, p.His429Asp (NM_001353230.2, NM_001353231.2); short protein forms H429D, H447D.
Identifiers: ClinVar variation 485595 (VCV000485595.20), dbSNP rs375082054, ClinGen allele CA398531625.

ClinVar aggregate classification (germline): Uncertain significance. Review status: criteria provided, multiple submitters, no conflicts (2 of 4 stars). 7 submissions from 7 submitters: Uncertain significance (7). Last evaluated 2025-08-06.

Conditions:
Birt-Hogg-Dube syndrome. Also called: Birt Hogg Dubé syndrome. Identifiers: Orphanet 122, MedGen C0346010, MONDO:0800444.
Colorectal cancer. Also called: Colorectal cancer, somatic; Malignant Colorectal Neoplasm. Identifiers: MedGen C0346629, MONDO:0005575, OMIM 114500.
Nonpapillary renal cell carcinoma. Identifiers: Orphanet 422526, MedGen CN074294, MONDO:0007763, OMIM 144700.
Familial spontaneous pneumothorax (PSP). Identifiers: Orphanet 2903, MedGen C1868193, MONDO:0008259, OMIM 173600.
17p11.2 microduplication syndrome (PTLS). Also called: CHROMOSOME 17p11.2 DUPLICATION SYNDROME; Potocki-Lupski syndrome; Duplication 17p11.2 syndrome; Potocki-Lupski syndrome (dup(17)(p11.2p11.2)). Identifiers: Orphanet 1713, MedGen C2931246, MONDO:0012574, OMIM 610883.
Birt-Hogg-Dube syndrome 1 (BHD1). Also called: FIBROFOLLICULOMAS WITH TRICHODISCOMAS AND ACROCHORDONS. Identifiers: Orphanet 122, MedGen CN375946, MONDO:0800445, OMIM 135150.
Hereditary cancer-predisposing syndrome. Also called: Hereditary neoplastic syndrome; Neoplastic Syndromes, Hereditary; Tumor predisposition; Hereditary Cancer Syndrome. Identifiers: Orphanet 140162, MedGen C0027672, MeSH D009386, MONDO:0015356.

Allele frequency attached by ClinVar (database versions not stated): TOPMed 0.00002.
gnomAD v4.1: 11 of 1,611,868 alleles (0.00068%); highest among the groups gnomAD compares: East Asian, 0.0022%; no homozygotes.

Submissions (7):

Labcorp Genetics (formerly Invitae), Labcorp
Classification: Uncertain significance for Birt-Hogg-Dube syndrome. Last evaluated: 2025-08-06. Review status: criteria provided, single submitter. Criteria: Invitae Variant Classification Sherloc (09022015). Collection method: clinical testing. Allele origin: germline.
Comment: This sequence change replaces histidine, which is basic and polar, with aspartic acid, which is acidic and polar, at codon 429 of the FLCN protein (p.His429Asp). This variant is present in population databases (no rsID available, gnomAD 0.006%). This variant has not been reported in the literature in individuals affected with FLCN-related conditions. ClinVar contains an entry for this variant (Variation ID: 485595). Invitae Evidence Modeling of protein sequence and biophysical properties (such as structural, functional, and spatial information, amino acid conservation, physicochemical variation, residue mobility, and thermodynamic stability) indicates that this missense variant is not expected to disrupt FLCN protein function with a negative predictive value of 80%. In summary, the available evidence is currently insufficient to determine the role of this variant in disease. Therefore, it has been classified as a Variant of Uncertain Significance.

Ambry Genetics
Classification: Uncertain significance for Hereditary cancer-predisposing syndrome. Last evaluated: 2025-07-15. Review status: criteria provided, single submitter. Criteria: Ambry Variant Classification Scheme 2023. Collection method: clinical testing. Allele origin: germline.
Comment: The p.H429D variant (also known as c.1285C>G), located in coding exon 8 of the FLCN gene, results from a C to G substitution at nucleotide position 1285. The histidine at codon 429 is replaced by aspartic acid, an amino acid with similar properties. This amino acid position is well conserved in available vertebrate species. In addition, this alteration is predicted to be deleterious by in silico analysis. Based on the available evidence, the clinical significance of this variant remains unclear.

Center for Genomic Medicine, Rigshospitalet, Copenhagen University Hospital
Classification: Uncertain significance. Last evaluated: 2025-03-04. Review status: criteria provided, single submitter. Criteria: ACMG Guidelines, 2015. Collection method: clinical testing. Allele origin: germline.

Revvity Omics, Revvity
Classification: Uncertain significance. Last evaluated: 2024-06-14. Review status: criteria provided, single submitter. Criteria: ACMG Guidelines, 2015. Collection method: clinical testing. Allele origin: germline.

Baylor Genetics
Classification: Uncertain significance for Birt-Hogg-Dube syndrome 1. Last evaluated: 2024-01-22. Review status: criteria provided, single submitter. Criteria: ACMG Guidelines, 2015. Collection method: clinical testing. Allele origin: unknown.

Fulgent Genetics
Classification: Uncertain significance for Colorectal cancer; Birt-Hogg-Dube syndrome 1; Nonpapillary renal cell carcinoma; Familial spontaneous pneumothorax; 17p11.2 microduplication syndrome. Last evaluated: 2022-03-09. Review status: criteria provided, single submitter. Criteria: ACMG Guidelines, 2015. Collection method: clinical testing. Allele origin: unknown.

GeneDx
Classification: Uncertain significance. Last evaluated: 2022-03-02. Review status: criteria provided, single submitter. Criteria: GeneDx Variant Classification Process June 2021. Collection method: clinical testing. Allele origin: germline. Affected: yes.
Comment: Not observed at significant frequency in large population cohorts (gnomAD); In silico analysis supports that this missense variant has a deleterious effect on protein structure/function; Has not been previously published as pathogenic or benign to our knowledge